The following is an entry in ClinVar:

NM_001036.6(RYR3):c.10568C>T (p.Ser3523Phe)

Gene: RYR3 (ryanodine receptor 3; plus strand). Cytogenetic location: 15q14.
Variant type: single nucleotide variant.
Coding change: c.10568C>T on transcript NM_001036.6 (MANE Select); coding-DNA position 10568, C replaced by T.
Protein change: p.Ser3523Phe; replaces serine 3523 with phenylalanine.
Molecular consequence: missense variant.
Genome position (GRCh38, 1-based): chr15:33,816,927, C>T. VCF-style: chr15-33816927-C-T. GRCh37 (hg19) VCF-style: chr15-34109128-C-T.
Other names: c.10553C>T, p.Ser3518Phe (NM_001243996.4); short protein forms S3523F, S3518F.
Identifiers: ClinVar variation 567427 (VCV000567427.10), dbSNP rs775906033, ClinGen allele CA7460880.
Genomic context (GRCh38, chr15:33,816,927, plus strand): 5'-GCTCTATTAACCTCTTCCTCCATGGCTATCAGAGATTTTGGATAGAAACAGAGGAGTATT[C>T]CTTTGAAGAGAAACTAGTACAGGATTTGGCTGTAAGTACTGACTCCCCTGGGAGCAGATA-3'
Protein context (NP_001027.3, residues 3513-3533): QRFWIETEEY[Ser3523Phe]FEEKLVQDLA

ClinVar aggregate classification (germline): Uncertain significance (1 of 4 stars; one submission).

Conditions:
Epileptic encephalopathy. Identifiers: MedGen C0543888, HP:0200134.

Allele frequency attached by ClinVar (database versions not stated): gnomAD 0.00002; gnomAD exomes 0.00002; ExAC 0.00003; TOPMed 0.00004.
gnomAD v4.1: 10 of 1,610,726 alleles (0.00062%); highest among the groups gnomAD compares: Admixed American, 0.0033%; no homozygotes.

Submission:

Labcorp Genetics (formerly Invitae), Labcorp
Classification: Uncertain significance for Epileptic encephalopathy. Last evaluated: 2020-06-19. Review status: criteria provided, single submitter. Criteria: Invitae Variant Classification Sherloc (09022015). Collection method: clinical testing. Allele origin: germline.
Comment: This sequence change replaces serine with phenylalanine at codon 3523 of the RYR3 protein (p.Ser3523Phe). The serine residue is moderately conserved and there is a large physicochemical difference between serine and phenylalanine. This variant is present in population databases (rs775906033, ExAC 0.006%). This variant has not been reported in the literature in individuals with RYR3-related disease. Algorithms developed to predict the effect of missense changes on protein structure and function output the following: SIFT: "Tolerated"; PolyPhen-2: "Benign"; Align-GVGD: "Class C0". The phenylalanine amino acid residue is found in multiple mammalian species, suggesting that this missense change does not adversely affect protein function. These predictions have not been confirmed by published functional studies and their clinical significance is uncertain. In summary, the available evidence is currently insufficient to determine the role of this variant in disease. Therefore, it has been classified as a Variant of Uncertain Significance.